The following is an entry in ClinVar:

NM_020320.5(RARS2):c.405T>A (p.Asn135Lys)

Gene: RARS2 (arginyl-tRNA synthetase 2, mitochondrial; minus strand). Cytogenetic location: 6q15.
Variant type: single nucleotide variant.
Coding change: c.405T>A on transcript NM_020320.5 (MANE Select); coding-DNA position 405, T replaced by A.
Protein change: p.Asn135Lys; replaces asparagine 135 with lysine.
Molecular consequence: missense variant. On other transcripts: 5 prime UTR variant (5), non-coding transcript variant (15), intron variant (2).
Genome position (GRCh38, 1-based): chr6:87,548,637, A>T on the plus strand (T>A on the coding strand, the complement: RARS2 is on the minus strand). VCF-style: chr6-87548637-A-T. GRCh37 (hg19) VCF-style: chr6-88258355-A-T.
Other names: c.405T>A, p.Asn135Lys (NM_001350505.2); c.-121T>A (NM_001350506.2, NM_001350507.2, NM_001350508.2 and 2 more transcripts); c.-74-2938T>A (NM_001350509.2, NM_001318785.2); short protein forms N135K.
Identifiers: ClinVar variation 1959242 (VCV001959242.3), dbSNP rs765829315, ClinGen allele CA364934290.

ClinVar aggregate classification (germline): Uncertain significance (1 of 4 stars; one submission).

gnomAD v4.1: 1 of 1,612,996 alleles (0.000062%); highest among the groups gnomAD compares: Admixed American, 0.0017%; no homozygotes.

Submission:

Labcorp Genetics (formerly Invitae), Labcorp
Classification: Uncertain significance. Last evaluated: 2023-07-21. Review status: criteria provided, single submitter. Criteria: Invitae Variant Classification Sherloc (09022015). Collection method: clinical testing. Allele origin: germline.
Comment: In summary, the available evidence is currently insufficient to determine the role of this variant in disease. Therefore, it has been classified as a Variant of Uncertain Significance. Advanced modeling of protein sequence and biophysical properties (such as structural, functional, and spatial information, amino acid conservation, physicochemical variation, residue mobility, and thermodynamic stability) performed at Invitae indicates that this missense variant is expected to disrupt RARS2 protein function. ClinVar contains an entry for this variant (Variation ID: 1959242). This variant has not been reported in the literature in individuals affected with RARS2-related conditions. This variant is not present in population databases (gnomAD no frequency). This sequence change replaces asparagine, which is neutral and polar, with lysine, which is basic and polar, at codon 135 of the RARS2 protein (p.Asn135Lys).